The following is an entry in ClinVar:

NM_002335.4(LRP5):c.2371A>G (p.Met791Val)

Gene: LRP5 (LDL receptor related protein 5; plus strand). Cytogenetic location: 11q13.2.
Variant type: single nucleotide variant.
Coding change: c.2371A>G on transcript NM_002335.4 (MANE Select); coding-DNA position 2371, A replaced by G.
Protein change: p.Met791Val; replaces methionine 791 with valine.
Molecular consequence: missense variant.
Genome position (GRCh38, 1-based): chr11:68,411,488, A>G. VCF-style: chr11-68411488-A-G. GRCh37 (hg19) VCF-style: chr11-68178956-A-G.
Other names: p.Met791Val; c.628A>G, p.Met210Val (NM_001291902.2); short protein forms M210V, M791V.
Identifiers: ClinVar variation 2579717 (VCV002579717.2), dbSNP rs1229615060, ClinGen allele CA381616982.

ClinVar aggregate classification (germline): Likely pathogenic (1 of 4 stars; one submission).

Conditions:
Osteoporosis with pseudoglioma (OPPG). Also called: osteoporosis-pseudoglioma syndrome. Identifiers: Orphanet 2788, MedGen C0432252, MONDO:0009820, OMIM 259770.

Allele frequency attached by ClinVar (database versions not stated): gnomAD exomes below 0.00001.
gnomAD v4.1: 5 of 1,613,556 alleles (0.00031%); highest among the groups gnomAD compares: South Asian, 0.0011%; no homozygotes.

Submission:

Foundation for Research in Genetics and Endocrinology, FRIGE's Institute of Human Genetics
Classification: Likely pathogenic for Osteoporosis with pseudoglioma. Last evaluated: 2023-09-08. Review status: criteria provided, single submitter. Criteria: ACMG Guidelines, 2015. Collection method: clinical testing. Allele origin: germline. Inheritance: Autosomal recessive inheritance. Affected: yes. Observed: 1 homozygote.
Comment: A homozygous variation in exon 11 of the LRP5 gene that results in the amino acid substitution of Valine for Methionine at codon 791 was detected. This variant has not been observed in the 1000 genomes and has a minor allele frequency of 0.0004% in the gnomAD database. Insilico prediction of this variant is damaging by SIFT, LRT and MutationTaster2. In summary, the variant meets our criteria to be classified as likely pathogenic.